The following is an entry in ClinVar:

NM_000545.8(HNF1A):c.480C>T (p.Ala160=)

Gene: HNF1A (HNF1 homeobox A; plus strand). Cytogenetic location: 12q24.31.
Variant type: single nucleotide variant.
Coding change: c.480C>T on transcript NM_000545.8 (MANE Select); coding-DNA position 480, C replaced by T.
Protein change: p.Ala160=; no amino-acid change (alanine 160 retained).
Molecular consequence: synonymous variant.
Genome position (GRCh38, 1-based): chr12:120,988,986, C>T. VCF-style: chr12-120988986-C-T. GRCh37 (hg19) VCF-style: chr12-121426789-C-T.
Other names: c.480C>T, p.Ala160= (NM_001306179.2); c.480C>T (NM_000545.5).
Identifiers: ClinVar variation 1666577 (VCV001666577.9), dbSNP rs368536974, ClinGen allele CA6831756.

ClinVar aggregate classification (germline): Likely benign. Review status: criteria provided, multiple submitters, no conflicts (2 of 4 stars). 2 submissions from 2 submitters: Likely benign (2). Last evaluated 2025-12-10.

Allele frequency attached by ClinVar (database versions not stated): gnomAD exomes 0.00002 and 0.00003; ExAC 0.00004; gnomAD 0.00004 and 0.00005; TOPMed 0.00005; ESP Exome Variant Server 0.00008; 1000 Genomes Project 30x 0.00016; 1000 Genomes Project 0.00020.
gnomAD v4.1: 37 of 1,614,206 alleles (0.0023%); highest among the groups gnomAD compares: African/African-American, 0.0093%; no homozygotes.

Submissions (2):

Labcorp Genetics (formerly Invitae), Labcorp
Classification: Likely benign. Last evaluated: 2025-12-10. Review status: criteria provided, single submitter. Criteria: Invitae Variant Classification Sherloc (09022015). Collection method: clinical testing. Allele origin: germline.

Athena Diagnostics
Classification: Likely benign. Last evaluated: 2025-08-08. Review status: criteria provided, single submitter. Criteria: Athena Diagnostics Criteria. Collection method: clinical testing. Allele origin: unknown.
Comment: Computational tools yielded predictions that this variant is unlikely to have an effect on normal RNA splicing. This nucleotide position exhibits low evolutionary conservation.